The following is an entry in ClinVar:

NM_181705.4(LYRM7):c.91+146T>G

Gene: LYRM7 (LYR motif containing 7; plus strand). Cytogenetic location: 5q23.3.
Variant type: single nucleotide variant.
Coding change: c.91+146T>G on transcript NM_181705.4 (MANE Select); 146 bases into the intron after coding-DNA position 91, T replaced by G.
Molecular consequence: intron variant.
Genome position (GRCh38, 1-based): chr5:131,180,313, T>G. VCF-style: chr5-131180313-T-G. GRCh37 (hg19) VCF-style: chr5-130516006-T-G.
Other names: c.91+146T>G (NM_001293735.2).
Identifiers: ClinVar variation 676313 (VCV000676313.1), dbSNP rs60745433, ClinGen allele CA12133463.
Genomic context (GRCh38, chr5:131,180,313, plus strand): 5'-CATTTTAGGGAATGACCTTCACTACCTCTCTCTGATATCTTTTATAAAGATTAGCTTATA[T>G]TACACTTATTTGAGAAATATCTACTTAAAGAAAAATTTTTAAAGATCAAGTCTTCATAAA-3'

ClinVar aggregate classification (germline): Benign (1 of 4 stars; one submission).

Allele frequency attached by ClinVar (database versions not stated): gnomAD exomes 0.03247; 1000 Genomes Project 0.07149; gnomAD 0.07498 and 0.07927; 1000 Genomes Project 30x 0.07730; TOPMed 0.08317.
gnomAD v4.1: 21,853 of 466,812 alleles (4.7%); highest among the groups gnomAD compares: African/African-American, 19%; 1,247 homozygotes.

Submission:

GeneDx
Classification: Benign. Last evaluated: 2018-06-16. Review status: criteria provided, single submitter. Criteria: GeneDx Variant Classification (06012015). Collection method: clinical testing. Allele origin: germline. Affected: yes.
Comment: This variant is considered likely benign or benign based on one or more of the following criteria: it is a conservative change, it occurs at a poorly conserved position in the protein, it is predicted to be benign by multiple in silico algorithms, and/or has population frequency not consistent with disease.